The following is an entry in ClinVar:

NM_001039213.4(CEACAM16):c.246G>A (p.Thr82=)

Genes: CEACAM16 (CEA cell adhesion molecule 16, tectorial membrane component; plus strand), CEACAM16-AS1 (CEACAM16, CEACAM19 and PVR antisense RNA 1; minus strand). Cytogenetic location: 19q13.32.
Variant type: single nucleotide variant.
Coding change: c.246G>A on transcript NM_001039213.4 (MANE Select); coding-DNA position 246, G replaced by A.
Protein change: p.Thr82=; no amino-acid change (threonine 82 retained).
Molecular consequence: synonymous variant.
Genome position (GRCh38, 1-based): chr19:44,703,557, G>A. VCF-style: chr19-44703557-G-A. GRCh37 (hg19) VCF-style: chr19-45206827-G-A.
Identifiers: ClinVar variation 666669 (VCV000666669.5), dbSNP rs761814983, ClinGen allele CA9502992.

ClinVar aggregate classification (germline): Likely benign. Review status: criteria provided, multiple submitters, no conflicts (2 of 4 stars). 2 submissions from 2 submitters: Likely benign (2). Last evaluated 2026-09-01.

Allele frequency attached by ClinVar (database versions not stated): TOPMed 0.00002.
gnomAD v4.1: 25 of 1,612,292 alleles (0.0016%); highest among the groups gnomAD compares: Admixed American, 0.0067%; no homozygotes.

Submissions (2):

CeGaT Center for Human Genetics Tuebingen
Classification: Likely benign. Last evaluated: 2026-09-01. Review status: criteria provided, single submitter. Criteria: CeGaT Center For Human Genetics Tuebingen Variant Classification Criteria Version 2. Collection method: clinical testing. Allele origin: germline. Affected: yes. Observed: 1 variant allele.
Comment: CEACAM16: BP4, BP7

Laboratory for Molecular Medicine, Mass General Brigham Personalized Medicine
Classification: Likely benign. Last evaluated: 2017-08-23. Review status: criteria provided, single submitter. Criteria: LMM Criteria. Collection method: clinical testing. Allele origin: germline. Observed: 1 variant allele.
Comment: p.Thr82Thr in exon 3 of CEACAM16: This variant is not expected to have clinical significance because it does not alter an amino acid residue and is not located within the splice consensus sequence. It has been identified in 1/7834 East Asia n chromosomes by the Exome Aggregation Consortium (ExAC; dbSNP rs761814983).